The following is an entry in ClinVar:

NC_000009.12:g.35658049T>C

Gene: RMRP (RNA component of mitochondrial RNA processing endoribonuclease; minus strand). Cytogenetic location: 9p13.3.
Variant type: single nucleotide variant.
Genome position: GRCh38 VCF-style: chr9-35658049-T-C. GRCh37 (hg19) VCF-style: chr9-35658046-T-C.
Identifiers: ClinVar variation 661473 (VCV000661473.6), dbSNP rs145463993, ClinGen allele CA5045898.

ClinVar aggregate classification (germline): Uncertain significance. Review status: criteria provided, multiple submitters, no conflicts (2 of 4 stars). 2 submissions from 2 submitters: Uncertain significance (2). Last evaluated 2022-07-25.

Conditions:
Anauxetic dysplasia 1 (ANXD1). Also called: Anauxetic Dysplasia (AD). Identifiers: Orphanet 93347, MedGen C4551965, MONDO:0054560, OMIM 607095.
Metaphyseal chondrodysplasia, McKusick type (CHH). Also called: Cartilage-Hair Hypoplasia (CHH); Cartilage-hair hypoplasia. Identifiers: Orphanet 175, MedGen C0220748, MONDO:0009595, OMIM 250250.
Metaphyseal dysplasia without hypotrichosis. Also called: Metaphyseal Dysplasia without Hypotrichosis (MDWH); CARTILAGE-HAIR HYPOPLASIA VARIANT, SKELETAL MANIFESTATIONS ONLY; CARTILAGE-HAIR HYPOPLASIA-LIKE SKELETAL DYSPLASIA WITHOUT HYPOTRICHOSIS OR IMMUNODEFICIENCY. Identifiers: MedGen C1834821, MONDO:0009601, OMIM 250460.
Anauxetic dysplasia. Identifiers: Orphanet 93347, MedGen C1846796, MONDO:0011773.

Allele frequency attached by ClinVar (database versions not stated): TOPMed 0.00018; 1000 Genomes Project 0.00020; 1000 Genomes Project 30x 0.00016.

Submissions (2):

Labcorp Genetics (formerly Invitae), Labcorp
Classification: Uncertain significance for Anauxetic dysplasia. Last evaluated: 2022-07-25. Review status: criteria provided, single submitter. Criteria: Invitae Variant Classification Sherloc (09022015). Collection method: clinical testing. Allele origin: germline.
Comment: This variant occurs in the RMRP gene, which encodes an RNA molecule that does not result in a protein product. This variant is present in population databases (rs145463993, gnomAD 0.04%). This variant has not been reported in the literature in individuals affected with RMRP-related conditions. ClinVar contains an entry for this variant (Variation ID: 661473). Experimental studies and prediction algorithms are not available or were not evaluated, and the functional significance of this variant is currently unknown. In summary, the available evidence is currently insufficient to determine the role of this variant in disease. Therefore, it has been classified as a Variant of Uncertain Significance.

Fulgent Genetics
Classification: Uncertain significance for Metaphyseal chondrodysplasia, McKusick type; Metaphyseal dysplasia without hypotrichosis; Anauxetic dysplasia 1. Last evaluated: 2022-04-15. Review status: criteria provided, single submitter. Criteria: ACMG Guidelines, 2015. Collection method: clinical testing. Allele origin: unknown.